The following is an entry in ClinVar:

ClinVar aggregate classification (germline): Uncertain significance. Review status: criteria provided, multiple submitters, no conflicts (2 of 4 stars). 2 submissions from 2 submitters: Uncertain significance (2). Last evaluated 2024-05-02.

Conditions:
Epilepsy, childhood absence, susceptibility to, 6. Identifiers: Orphanet 64280, MedGen C2749872, MONDO:0012763, OMIM 611942.
Hyperaldosteronism, familial, type IV (HALD4). Also called: FH IV; ALDOSTERONISM, PRIMARY, AND HYPERTENSION. Identifiers: Orphanet 642671, MedGen C4310756, MONDO:0014875, OMIM 617027.
Idiopathic generalized epilepsy. Also called: EIG; Generalised epilepsy. Identifiers: MedGen C0270850, MONDO:0005579, OMIM 600669.

Allele frequency attached by ClinVar (database versions not stated): TOPMed below 0.00001; gnomAD 0.00002.

Submissions (2):

Fulgent Genetics
Classification: Uncertain significance for Epilepsy, childhood absence, susceptibility to, 6; Hyperaldosteronism, familial, type IV. Last evaluated: 2024-05-02. Review status: criteria provided, single submitter. Criteria: ACMG Guidelines, 2015. Collection method: clinical testing. Allele origin: germline.

Labcorp Genetics (formerly Invitae), Labcorp
Classification: Uncertain significance for Idiopathic generalized epilepsy; Hyperaldosteronism, familial, type IV. Last evaluated: 2021-01-04. Review status: criteria provided, single submitter. Criteria: Invitae Variant Classification Sherloc (09022015). Collection method: clinical testing. Allele origin: germline.
Comment: In summary, the available evidence is currently insufficient to determine the role of this variant in disease. Therefore, it has been classified as a Variant of Uncertain Significance. Algorithms developed to predict the effect of missense changes on protein structure and function are either unavailable or do not agree on the potential impact of this missense change (SIFT: "Deleterious"; PolyPhen-2: "Probably Damaging"; Align-GVGD: "Class C0"). This variant has not been reported in the literature in individuals with CACNA1H-related conditions. This variant is not present in population databases (ExAC no frequency). This sequence change replaces leucine with valine at codon 936 of the CACNA1H protein (p.Leu936Val). The leucine residue is highly conserved and there is a small physicochemical difference between leucine and valine.

NM_021098.3(CACNA1H):c.2806C>G (p.Leu936Val)

Gene: CACNA1H (calcium voltage-gated channel subunit alpha1 H; plus strand). Cytogenetic location: 16p13.3.
Variant type: single nucleotide variant.
Coding change: c.2806C>G on transcript NM_021098.3 (MANE Select); coding-DNA position 2806, C replaced by G.
Protein change: p.Leu936Val; replaces leucine 936 with valine.
Molecular consequence: missense variant.
Genome position (GRCh38, 1-based): chr16:1,207,017, C>G. VCF-style: chr16-1207017-C-G. GRCh37 (hg19) VCF-style: chr16-1257017-C-G.
Other names: c.2806C>G, p.Leu936Val (NM_001005407.2); short protein forms L936V.
Identifiers: ClinVar variation 1524286 (VCV001524286.9), dbSNP rs1471872554, ClinGen allele CA394169994.